The following is an entry in ClinVar:

ClinVar aggregate classification (germline): Uncertain significance (1 of 4 stars; one submission).

Conditions:
Hereditary cancer-predisposing syndrome. Also called: Tumor predisposition; Hereditary neoplastic syndrome; Neoplastic Syndromes, Hereditary; Hereditary Cancer Syndrome. Identifiers: Orphanet 140162, MedGen C0027672, MeSH D009386, MONDO:0015356.

Submission:

Ambry Genetics
Classification: Uncertain significance for Hereditary cancer-predisposing syndrome. Last evaluated: 2018-09-04. Review status: criteria provided, single submitter. Criteria: Ambry Variant Classification Scheme 2023. Collection method: clinical testing. Allele origin: germline.
Comment: The p.L417R variant (also known as c.1250T>G), located in coding exon 10 of the CHEK2 gene, results from a T to G substitution at nucleotide position 1250. The leucine at codon 417 is replaced by arginine, an amino acid with dissimilar properties. This amino acid position is highly conserved in available vertebrate species. This splice prediction software does not predict a deleterious effect on splicing. In addition, this alteration is predicted to be deleterious by in silico analysis. Since supporting evidence is limited at this time, the clinical significance of this alteration remains unclear.

NM_007194.4(CHEK2):c.1250T>G (p.Leu417Arg)

Gene: CHEK2 (checkpoint kinase 2; minus strand). Cytogenetic location: 22q12.1.
Variant type: single nucleotide variant.
Coding change: c.1250T>G on transcript NM_007194.4 (MANE Select); coding-DNA position 1250, T replaced by G.
Protein change: p.Leu417Arg; replaces leucine 417 with arginine.
Molecular consequence: missense variant.
Genome position (GRCh38, 1-based): chr22:28,695,719, A>C on the plus strand (T>G on the coding strand, the complement: CHEK2 is on the minus strand). VCF-style: chr22-28695719-A-C. GRCh37 (hg19) VCF-style: chr22-29091707-A-C.
Other names: c.1379T>G, p.Leu460Arg (NM_001005735.3); c.587T>G, p.Leu196Arg (NM_001257387.3); c.1049T>G, p.Leu350Arg (NM_001349956.3); c.1163T>G, p.Leu388Arg (NM_145862.3); short protein forms L417R, L460R, L388R, L196R, L350R.
Identifiers: ClinVar variation 818697 (VCV000818697.4), dbSNP rs1569113171, ClinGen allele CA411096533.
Genomic context (GRCh38, chr22:28,695,719, plus strand): 5'-TTCATCTAATCACCTCCTACCAGTCTGTGCAGCAATGAAAATATTTCTTACCAGATAAAA[A>C]GAATAACTCCTAAACTCCAGCAGTCCACAGCACGGTTATACCCAGCAGTCCCAACAGAAA-3'
Protein context (NP_009125.1, residues 407-427): AVDCWSLGVI[Leu417Arg]FICLSGYPPF